The following is an entry in ClinVar:

NM_005633.4(SOS1):c.3512T>G (p.Ile1171Ser)

Gene: SOS1 (SOS Ras/Rac guanine nucleotide exchange factor 1; minus strand). Cytogenetic location: 2p22.1.
Variant type: single nucleotide variant.
Coding change: c.3512T>G on transcript NM_005633.4 (MANE Select); coding-DNA position 3512, T replaced by G.
Protein change: p.Ile1171Ser; replaces isoleucine 1171 with serine.
Molecular consequence: missense variant.
Genome position (GRCh38, 1-based): chr2:38,986,314, A>C on the plus strand (T>G on the coding strand, the complement: SOS1 is on the minus strand). VCF-style: chr2-38986314-A-C. GRCh37 (hg19) VCF-style: chr2-39213455-A-C.
Other names: c.3491T>G, p.Ile1164Ser (NM_001382394.1); c.3467T>G, p.Ile1156Ser (NM_001382395.1); short protein forms I1171S, I1156S, I1164S.
Identifiers: ClinVar variation 2106786 (VCV002106786.4), dbSNP rs767291758, ClinGen allele CA346362989.

ClinVar aggregate classification (germline): Uncertain significance (1 of 4 stars; one submission).

Conditions:
RASopathy. Also called: Noonan spectrum disorder; rasopathies. Identifiers: Orphanet 536391, MedGen C5555857, MONDO:0021060.

Submission:

Labcorp Genetics (formerly Invitae), Labcorp
Classification: Uncertain significance for RASopathy. Last evaluated: 2025-06-10. Review status: criteria provided, single submitter. Criteria: Invitae Variant Classification Sherloc (09022015). Collection method: clinical testing. Allele origin: germline.
Comment: This sequence change replaces isoleucine, which is neutral and non-polar, with serine, which is neutral and polar, at codon 1171 of the SOS1 protein (p.Ile1171Ser). This variant is not present in population databases (gnomAD no frequency). This variant has not been reported in the literature in individuals affected with SOS1-related conditions. ClinVar contains an entry for this variant (Variation ID: 2106786). An algorithm developed to predict the effect of missense changes on protein structure and function (PolyPhen-2) suggests that this variant is likely to be tolerated. Algorithms developed to predict the effect of sequence changes on RNA splicing suggest that this variant may disrupt the consensus splice site. In summary, the available evidence is currently insufficient to determine the role of this variant in disease. Therefore, it has been classified as a Variant of Uncertain Significance.